The following is an entry in ClinVar:

NM_001003694.2(BRPF1):c.2839C>T (p.Gln947Ter)

Gene: BRPF1 (bromodomain and PHD finger containing 1; plus strand). Cytogenetic location: 3p25.3.
Variant type: single nucleotide variant.
Coding change: c.2839C>T on transcript NM_001003694.2 (MANE Select); coding-DNA position 2839, C replaced by T.
Protein change: p.Gln947Ter; replaces glutamine 947 with a stop codon.
Molecular consequence: nonsense. On other transcripts: non-coding transcript variant (1), intron variant (4).
Genome position (GRCh38, 1-based): chr3:9,744,427, C>T. VCF-style: chr3-9744427-C-T. GRCh37 (hg19) VCF-style: chr3-9786111-C-T.
Other names: c.2818C>T, p.Gln940Ter (NM_001319050.2, NM_001438342.1, NM_001438343.1); c.2836C>T, p.Gln946Ter (NM_001410704.1); c.2821C>T, p.Gln941Ter (NM_001437892.1, NM_004634.3); c.2635+526C>T (NM_001438344.1); c.2632+526C>T (NM_001438345.1); c.2617+526C>T (NM_001319049.2); c.2614+526C>T (NM_001438346.1); short protein forms Q940*, Q941*, Q946*, Q947*.
Identifiers: ClinVar variation 4852244 (VCV004852244.1).

ClinVar aggregate classification (germline): Likely pathogenic (1 of 4 stars; one submission).

Conditions:
Intellectual developmental disorder with dysmorphic facies and ptosis (IDDDFP). Identifiers: Orphanet 698090, MedGen C4310617, MONDO:0015022, OMIM 617333.

Submission:

Variantyx, Inc.
Classification: Likely pathogenic for Intellectual developmental disorder with dysmorphic facies and ptosis. Last evaluated: 2026-01-23. Review status: criteria provided, single submitter. Criteria: Variantyx Assertion Criteria 2022. Collection method: clinical testing. Allele origin: germline. Inheritance: Autosomal dominant inheritance. Affected: yes.
Comment: This is a nonsense variant in the BRPF1 gene (OMIM: 602410). Pathogenic variants in this gene have been associated with autosomal dominant intellectual developmental disorder with dysmorphic facies and ptosis. This variant introduces a premature termination codon in exon 9¬†out of 14and is expected to result in loss of function, which is a known disease mechanism for BRPF1 in this disorder (PMID: 27939640, 27939639, 31020800, 32010779, 35243762, 37190896) (PVS1). This variant is absent from control populations (PM2), and it has not been reported in individuals with BRPF1-related disorders in the databases available for review. Inheritance from an unaffected or mildly affected parent has been reported in the BRPF1 gene, consistent with incomplete penetrance and/or variable expressivity (PMID: 39837771, 27939639, 31020800, 32010779). Based on the current evidence, this variant is classified as likely pathogenic for autosomal dominant intellectual developmental disorder with dysmorphic facies and ptosis.

Literature cited by the submitters: PubMed 27939640; PubMed 27939639; PubMed 31020800; PubMed 32010779; PubMed 35243762; PubMed 37190896.